The following is an entry in ClinVar:

NM_001036.6(RYR3):c.6568A>G (p.Ile2190Val)

Gene: RYR3 (ryanodine receptor 3; plus strand). Cytogenetic location: 15q14.
Variant type: single nucleotide variant.
Coding change: c.6568A>G on transcript NM_001036.6 (MANE Select); coding-DNA position 6568, A replaced by G.
Protein change: p.Ile2190Val; replaces isoleucine 2190 with valine.
Molecular consequence: missense variant.
Genome position (GRCh38, 1-based): chr15:33,707,003, A>G. VCF-style: chr15-33707003-A-G. GRCh37 (hg19) VCF-style: chr15-33999204-A-G.
Other names: c.6568A>G, p.Ile2190Val (NM_001243996.4); short protein forms I2190V.
Identifiers: ClinVar variation 1027279 (VCV001027279.8), dbSNP rs1566992285, ClinGen allele CA391585737.
Genomic context (GRCh38, chr15:33,707,003, plus strand): 5'-GGCCTACAGAGCTGCCCCATGCTTCTGGCCAAAGGATACCCTGATGTCGGCTGGAACCCC[A>G]TTGAAGGGGAACGCTACCTGTCCTTCCTGAGGTTTGCTGTCTTCGTGAACAGTGAGTCCC-3'
Protein context (NP_001027.3, residues 2180-2200): KGYPDVGWNP[Ile2190Val]EGERYLSFLR

ClinVar aggregate classification (germline): Uncertain significance (1 of 4 stars; one submission).

Conditions:
Epileptic encephalopathy. Identifiers: MedGen C0543888, HP:0200134.

Allele frequency attached by ClinVar (database versions not stated): gnomAD exomes below 0.00001.
gnomAD v4.1: 5 of 1,613,954 alleles (0.00031%); highest among the groups gnomAD compares: East Asian, 0.0045%; no homozygotes.

Submission:

Labcorp Genetics (formerly Invitae), Labcorp
Classification: Uncertain significance for Epileptic encephalopathy. Last evaluated: 2020-09-01. Review status: criteria provided, single submitter. Criteria: Invitae Variant Classification Sherloc (09022015). Collection method: clinical testing. Allele origin: germline.
Comment: In summary, the available evidence is currently insufficient to determine the role of this variant in disease. Therefore, it has been classified as a Variant of Uncertain Significance. Algorithms developed to predict the effect of missense changes on protein structure and function are either unavailable or do not agree on the potential impact of this missense change (SIFT: "Deleterious"; PolyPhen-2: "Benign"; Align-GVGD: "Class C25"). This variant has not been reported in the literature in individuals with RYR3-related conditions. This variant is not present in population databases (ExAC no frequency). This sequence change replaces isoleucine with valine at codon 2190 of the RYR3 protein (p.Ile2190Val). The isoleucine residue is highly conserved and there is a small physicochemical difference between isoleucine and valine.